The following is an entry in ClinVar:

ClinVar aggregate classification (germline): Uncertain significance (1 of 4 stars; one submission).

gnomAD v4.1: 60 of 764,710 alleles (0.0078%); highest among the groups gnomAD compares: South Asian, 0.038%; 1 homozygote.

Submission:

Labcorp Genetics (formerly Invitae), Labcorp
Classification: Uncertain significance. Last evaluated: 2022-08-09. Review status: criteria provided, single submitter. Criteria: Invitae Variant Classification Sherloc (09022015). Collection method: clinical testing. Allele origin: germline.
Comment: This variant has not been reported in the literature in individuals affected with SNORD118-related conditions. In summary, the available evidence is currently insufficient to determine the role of this variant in disease. Therefore, it has been classified as a Variant of Uncertain Significance. This variant is present in population databases (rs777501044, gnomAD 0.05%). This variant occurs in the SNORD118 gene, which encodes an RNA molecule that does not result in a protein product.

NR_033294.2(SNORD118):n.14A>T

Genes: SNORD118 (small nucleolar RNA, C/D box 118; minus strand), TMEM107 (transmembrane protein 107; minus strand). Cytogenetic location: 17p13.1.
Variant type: single nucleotide variant.
Molecular consequence: non-coding transcript variant (on NR_033294.2). On other transcripts: 3 prime UTR variant (5).
Genome position: GRCh38 VCF-style: chr17-8173575-T-A. GRCh37 (hg19) VCF-style: chr17-8076893-T-A.
Other names: c.*628A>T (NM_001351278.2, NM_001351279.2, NM_001351280.2 and 2 more transcripts).
Identifiers: ClinVar variation 1904582 (VCV001904582.5), dbSNP rs777501044, ClinGen allele CA8370826.